The following is an entry in ClinVar:

ClinVar aggregate classification (germline): Likely benign (1 of 4 stars; one submission).

gnomAD v4.1: 5 of 1,595,296 alleles (0.00031%); highest among the groups gnomAD compares: South Asian, 0.0011%; no homozygotes.

Submission:

CeGaT Center for Human Genetics Tuebingen
Classification: Likely benign. Last evaluated: 2025-01-01. Review status: criteria provided, single submitter. Criteria: CeGaT Center For Human Genetics Tuebingen Variant Classification Criteria Version 2. Collection method: clinical testing. Allele origin: germline. Affected: yes. Observed: 1 variant allele.
Comment: CUX2: BP4, BP7

NM_015267.4(CUX2):c.2271G>A (p.Ala757=)

Gene: CUX2 (cut like homeobox 2; plus strand). Cytogenetic location: 12q24.12.
Variant type: single nucleotide variant.
Coding change: c.2271G>A on transcript NM_015267.4 (MANE Select); coding-DNA position 2271, G replaced by A.
Protein change: p.Ala757=; no amino-acid change (alanine 757 retained).
Molecular consequence: synonymous variant.
Genome position (GRCh38, 1-based): chr12:111,320,280, G>A. VCF-style: chr12-111320280-G-A. GRCh37 (hg19) VCF-style: chr12-111758084-G-A.
Other names: c.2085G>A, p.Ala695= (NM_001370598.1).
Identifiers: ClinVar variation 3772267 (VCV003772267.13).